The following is an entry in ClinVar:

ClinVar aggregate classification (germline): Pathogenic. Review status: criteria provided, multiple submitters, no conflicts (2 of 4 stars). 2 submissions from 2 submitters: Pathogenic (2). Last evaluated 2024-02-28.

Conditions:
X-linked Alport syndrome (ATS1). Also called: COL4A5-Related Nephropathy; NEPHROPATHY AND DEAFNESS, X-LINKED. Identifiers: Orphanet 63, Orphanet 88917, MedGen C4746986, MONDO:0010520, OMIM 301050.

Submissions (2):

Fulgent Genetics
Classification: Pathogenic for X-linked Alport syndrome. Last evaluated: 2024-02-28. Review status: criteria provided, single submitter. Criteria: ACMG Guidelines, 2015. Collection method: clinical testing. Allele origin: germline.

Labcorp Genetics (formerly Invitae), Labcorp
Classification: Pathogenic. Last evaluated: 2022-01-07. Review status: criteria provided, single submitter. Criteria: Invitae Variant Classification Sherloc (09022015). Collection method: clinical testing. Allele origin: germline.
Comment: Advanced modeling of protein sequence and biophysical properties (such as structural, functional, and spatial information, amino acid conservation, physicochemical variation, residue mobility, and thermodynamic stability) performed at Invitae indicates that this missense variant is expected to disrupt COL4A5 protein function. This variant disrupts the triple helix domain of COL4A5. Glycine residues within the Gly-Xaa-Yaa repeats of the triple helix domain are required for the structure and stability of fibrillar collagens (PMID: 7695699, 8218237, 19344236). In COL4A5, missense variants at these glycine residues are significantly enriched in individuals with disease (PMID: 23720012, 27627812) compared to the general population (ExAC). This variant disrupts the p.Gly515 amino acid residue in COL4A5. Other variant(s) that disrupt this residue have been observed in individuals with COL4A5-related conditions (PMID: 25876686), which suggests that this may be a clinically significant amino acid residue. For these reasons, this variant has been classified as Pathogenic. This sequence change replaces glycine, which is neutral and non-polar, with arginine, which is basic and polar, at codon 515 of the COL4A5 protein (p.Gly515Arg). This variant is not present in population databases (gnomAD no frequency). This missense change has been observed in individuals with clinical features of Alport syndrome (Invitae).

Literature cited by the submitters: PubMed 7695699 (cited by Labcorp Genetics (formerly Invitae), Labcorp); PubMed 8218237 (cited by Labcorp Genetics (formerly Invitae), Labcorp); PubMed 19344236 (cited by Labcorp Genetics (formerly Invitae), Labcorp); PubMed 23720012 (cited by Labcorp Genetics (formerly Invitae), Labcorp); PubMed 27627812 (cited by Labcorp Genetics (formerly Invitae), Labcorp); PubMed 25876686 (cited by Labcorp Genetics (formerly Invitae), Labcorp).

NM_033380.3(COL4A5):c.1543G>A (p.Gly515Arg)

Gene: COL4A5 (collagen type IV alpha 5 chain; plus strand). Cytogenetic location: Xq22.3.
Variant type: single nucleotide variant.
Coding change: c.1543G>A on transcript NM_033380.3 (MANE Select); coding-DNA position 1543, G replaced by A.
Protein change: p.Gly515Arg; replaces glycine 515 with arginine.
Molecular consequence: missense variant.
Genome position (GRCh38, 1-based): chrX:108,597,024, G>A. VCF-style: chrX-108597024-G-A. GRCh37 (hg19) VCF-style: chrX-107840254-G-A.
Other names: c.1543G>A, p.Gly515Arg (NM_000495.5); short protein forms G515R.
Identifiers: ClinVar variation 1372042 (VCV001372042.8), dbSNP rs2147809070, ClinGen allele CA413845095.
Genomic context (GRCh38, chrX:108,597,024, plus strand): 5'-TGTGTGTGTGTTTGTTTGTGTGTGTGTGTGTTAGGATCTCTTGGTTTCCCTGGACAGAAA[G>A]GGGAAAAAGGACAAGCTGGTGCAACTGGTCCCAAAGGATTACCAGTAAGTTTTGAGTATA-3'
Protein context (NP_203699.1, residues 505-525): PGSLGFPGQK[Gly515Arg]EKGQAGATGP